The following is an entry in ClinVar:

NM_007255.3(B4GALT7):c.553G>T (p.Val185Leu)

Gene: B4GALT7 (beta-1,4-galactosyltransferase 7; plus strand). Cytogenetic location: 5q35.3.
Variant type: single nucleotide variant.
Coding change: c.553G>T on transcript NM_007255.3 (MANE Select); coding-DNA position 553, G replaced by T.
Protein change: p.Val185Leu; replaces valine 185 with leucine.
Molecular consequence: missense variant.
Genome position (GRCh38, 1-based): chr5:177,607,441, G>T. VCF-style: chr5-177607441-G-T. GRCh37 (hg19) VCF-style: chr5-177034442-G-T.
Other names: short protein forms V185L.
Identifiers: ClinVar variation 4759208 (VCV004759208.1).

ClinVar aggregate classification (germline): Uncertain significance (1 of 4 stars; one submission).

Conditions:
Spondylodysplastic Ehlers-Danlos syndrome. Identifiers: Orphanet 536471, Orphanet 75496, MedGen C5680154, MONDO:0007526.

gnomAD v4.1: 15 of 1,613,792 alleles (0.00093%); highest among the groups gnomAD compares: Admixed American, 0.0017%; no homozygotes.

Submission:

Labcorp Genetics (formerly Invitae), Labcorp
Classification: Uncertain significance for Spondylodysplastic Ehlers-Danlos syndrome. Last evaluated: 2025-12-15. Review status: criteria provided, single submitter. Criteria: Invitae Variant Classification Sherloc (09022015). Collection method: clinical testing. Allele origin: germline.
Comment: This sequence change replaces valine, which is neutral and non-polar, with leucine, which is neutral and non-polar, at codon 185 of the B4GALT7 protein (p.Val185Leu). This variant is present in population databases (rs137913131, gnomAD 0.003%). This variant has not been reported in the literature in individuals affected with B4GALT7-related conditions. Invitae Evidence Modeling of protein sequence and biophysical properties (such as structural, functional, and spatial information, amino acid conservation, physicochemical variation, residue mobility, and thermodynamic stability) indicates that this missense variant is not expected to disrupt B4GALT7 protein function with a negative predictive value of 80%. In summary, the available evidence is currently insufficient to determine the role of this variant in disease. Therefore, it has been classified as a Variant of Uncertain Significance.